The following is an entry in ClinVar:

NM_001042492.3(NF1):c.5591G>T (p.Ser1864Ile)

Gene: NF1 (neurofibromin 1; plus strand). Cytogenetic location: 17q11.2.
Variant type: single nucleotide variant.
Coding change: c.5591G>T on transcript NM_001042492.3 (MANE Select); coding-DNA position 5591, G replaced by T.
Protein change: p.Ser1864Ile; replaces serine 1864 with isoleucine.
Molecular consequence: missense variant.
Genome position (GRCh38, 1-based): chr17:31,327,821, G>T. VCF-style: chr17-31327821-G-T. GRCh37 (hg19) VCF-style: chr17-29654839-G-T.
Other names: c.5528G>T, p.Ser1843Ile (NM_000267.4); short protein forms S1843I, S1864I.
Identifiers: ClinVar variation 1990678 (VCV001990678.4), dbSNP rs1567612716, ClinGen allele CA399010038.

ClinVar aggregate classification (germline): Uncertain significance (1 of 4 stars; one submission).

Conditions:
Neurofibromatosis, type 1 (NF1). Also called: VON RECKLINGHAUSEN DISEASE; Peripheral type neurofibromatosis; Neurofibromatosis, type I; NEUROFIBROMATOSIS, TYPE I, SOMATIC. Identifiers: Orphanet 636, MedGen C0027831, MONDO:0018975, OMIM 162200. Disease mechanism: loss of function.

Submission:

Labcorp Genetics (formerly Invitae), Labcorp
Classification: Uncertain significance for Neurofibromatosis, type 1. Last evaluated: 2021-12-30. Review status: criteria provided, single submitter. Criteria: Invitae Variant Classification Sherloc (09022015). Collection method: clinical testing. Allele origin: germline.
Comment: In summary, the available evidence is currently insufficient to determine the role of this variant in disease. Therefore, it has been classified as a Variant of Uncertain Significance. Advanced modeling of protein sequence and biophysical properties (such as structural, functional, and spatial information, amino acid conservation, physicochemical variation, residue mobility, and thermodynamic stability) performed at Invitae indicates that this missense variant is expected to disrupt NF1 protein function. This variant has not been reported in the literature in individuals affected with NF1-related conditions. This variant is not present in population databases (gnomAD no frequency). This sequence change replaces serine, which is neutral and polar, with isoleucine, which is neutral and non-polar, at codon 1843 of the NF1 protein (p.Ser1843Ile).